The following is an entry in ClinVar:

ClinVar aggregate classification (germline): Uncertain significance. Review status: criteria provided, multiple submitters, no conflicts (2 of 4 stars). 8 submissions from 8 submitters: Uncertain significance (7). 1 of the submissions does not count toward it. Last evaluated 2026-01-05.

Conditions:
Congenital dyserythropoietic anemia, type I. Also called: Dyserythropoietic anemia, congenital type 1. Identifiers: Orphanet 98869, MedGen C0271933, MONDO:0020337. Disease mechanism: loss of function.
Anemia, congenital dyserythropoietic, type 1a (CDAN1A). Also called: DYSERYTHROPOIETIC ANEMIA, CONGENITAL, TYPE Ia; CDAN1-Related Congenital Dyserythropoietic Anemia. Identifiers: MedGen C5574667, MONDO:0009135, OMIM 224120.

Allele frequency attached by ClinVar (database versions not stated): gnomAD exomes 0.00010 and 0.00021; ExAC 0.00029; gnomAD 0.00051 and 0.00052; TOPMed 0.00061; ESP Exome Variant Server 0.00085; 1000 Genomes Project 30x 0.00172; 1000 Genomes Project 0.00200.
gnomAD v4.1: 252 of 1,614,176 alleles (0.016%); highest among the groups gnomAD compares: African/African-American, 0.22%; 1 homozygote.

Submissions (10):

GeneDx
Classification: Uncertain significance. Last evaluated: 2026-01-05. Review status: criteria provided, single submitter. Criteria: GeneDx Variant Classification Process June 2021. Collection method: clinical testing. Allele origin: germline. Affected: yes.
Comment: In silico analysis is inconclusive as to whether the variant alters gene splicing. In the absence of RNA/functional studies, the actual effect of this sequence change is unknown.; This variant is associated with the following publications: (PMID: 31589614, 26147798, 16098079, 34493867)

Mayo Clinic Laboratories, Mayo Clinic
Classification: Uncertain significance. Last evaluated: 2025-05-27. Review status: criteria provided, single submitter. Criteria: ACMG Guidelines, 2015. Collection method: clinical testing. Allele origin: germline. Observed: 1 variant allele.
Comment: PM2_supporting, PM3_supporting

Women's Health and Genetics/Laboratory Corporation of America, LabCorp
Classification: Uncertain significance. Last evaluated: 2025-01-16. Review status: criteria provided, single submitter. Criteria: LabCorp Variant Classification Summary - May 2015. Collection method: clinical testing. Allele origin: germline.
Comment: Variant summary: CDAN1 c.1860+5G>A alters a nucleotide located close to a canonical splice site and therefore could affect mRNA splicing, leading to a significantly altered protein sequence. Several computational tools predict a significant impact on normal splicing: Two predict the variant abolishes a 5' splicing donor site. At least one paper showed this mutation leads to a stop codon 12 bases downstream in intron 12 and revealed a reduced presence of codanin-1 signals (Tamary_2005). The variant allele was found at a frequency of 0.00021 in 251476 control chromosomes (gnomAD). This frequency is not significantly higher than estimated for a pathogenic variant in CDAN1 causing Congenital dyserythropoietic anemia, type I, allowing no conclusion about variant significance. c.1860+5G>A has been reported in the literature in at least one individual affected with Congenital dyserythropoietic anemia, type I (Tamary_2005). These data indicate that the variant may be associated with disease. The following publications have been ascertained in the context of this evaluation (PMID: 16098079, 34493867). ClinVar contains an entry for this variant (Variation ID: 3181). Based on the evidence outlined above, the variant was classified as VUS-possibly pathogenic.

Revvity Omics, Revvity
Classification: Uncertain significance for Anemia, congenital dyserythropoietic, type 1a. Last evaluated: 2024-10-15. Review status: criteria provided, single submitter. Criteria: ACMG Guidelines, 2015. Collection method: clinical testing. Allele origin: germline.

Blueprint Genetics
Classification: Uncertain significance. Last evaluated: 2024-07-11. Review status: criteria provided, single submitter. Criteria: ACMG Guidelines, 2015. Collection method: clinical testing. Allele origin: germline.

Labcorp Genetics (formerly Invitae), Labcorp
Classification: Uncertain significance. Last evaluated: 2022-07-30. Review status: criteria provided, single submitter. Criteria: Invitae Variant Classification Sherloc (09022015). Collection method: clinical testing. Allele origin: germline.
Comment: This sequence change falls in intron 12 of the CDAN1 gene. It does not directly change the encoded amino acid sequence of the CDAN1 protein. RNA analysis indicates that this variant induces altered splicing and may result in an absent or disrupted protein product. This variant is present in population databases (rs113313967, gnomAD 0.2%). This variant has been observed in individual(s) with dyserythropoietic anemia type 1 (PMID: 16098079). This variant is also known as IVS-12+5G > A. ClinVar contains an entry for this variant (Variation ID: 3181). Variants that disrupt the consensus splice site are a relatively common cause of aberrant splicing (PMID: 17576681, 9536098). Studies have shown that this variant results in inclusion of intron 12 and introduces a premature termination codon (PMID: 16098079). The resulting mRNA is expected to undergo nonsense-mediated decay. In summary, the available evidence is currently insufficient to determine the role of this variant in disease. Therefore, it has been classified as a Variant of Uncertain Significance.

ARUP Laboratories, Molecular Genetics and Genomics, ARUP Laboratories
Classification: Uncertain significance for Anemia, congenital dyserythropoietic, type 1a. Last evaluated: 2021-06-15. Review status: criteria provided, single submitter. Criteria: ARUP Molecular Germline Variant Investigation Process 2021. Collection method: clinical testing. Allele origin: germline.

OMIM
Classification: Pathogenic for ANEMIA, CONGENITAL DYSERYTHROPOIETIC, TYPE Ia. Last evaluated: 2005-08-01. Review status: no assertion criteria provided. Collection method: literature only. Allele origin: germline. Not counted in ClinVar's aggregate classification.

Dr. Peter K. Rogan Lab, Western University
No classification provided (evidence only). Condition: Cervical cancer. Review status: no classification provided. Collection method: in vitro. Allele origin: not applicable. Functional consequence: retained intron. Not counted in ClinVar's aggregate classification.

Dr. Peter K. Rogan Lab, Western University
No classification provided (evidence only). Condition: Cervical cancer. Review status: no classification provided. Collection method: in vitro. Allele origin: not applicable. Functional consequence: retained intron. Not counted in ClinVar's aggregate classification.

Literature cited by the submitters: PubMed 16098079 (cited by 4 submitters); PubMed 34493867 (cited by Women's Health and Genetics/Laboratory Corporation of America, LabCorp); PubMed 17576681 (cited by Labcorp Genetics (formerly Invitae), Labcorp); PubMed 9536098 (cited by Labcorp Genetics (formerly Invitae), Labcorp).

NM_138477.4(CDAN1):c.1860+5G>A

Gene: CDAN1 (codanin 1; minus strand). Cytogenetic location: 15q15.2.
Variant type: single nucleotide variant.
Coding change: c.1860+5G>A on transcript NM_138477.4 (MANE Select); 5 bases into the intron after coding-DNA position 1860, G replaced by A.
Molecular consequence: intron variant.
Genome position (GRCh38, 1-based): chr15:42,731,206, C>T on the plus strand (G>A on the coding strand, the complement: CDAN1 is on the minus strand). VCF-style: chr15-42731206-C-T. GRCh37 (hg19) VCF-style: chr15-43023404-C-T.
Other names: p.?; IVS12, G-A, +5; c.1860+5G>A (LRG_1164t1).
Identifiers: ClinVar variation 3181 (VCV000003181.17), dbSNP rs113313967, ClinGen allele CA252610.